The following is an entry in ClinVar:

NM_015272.5(RPGRIP1L):c.3789C>T (p.Ala1263=)

Gene: RPGRIP1L (RPGRIP1 like; minus strand). Cytogenetic location: 16q12.2.
Variant type: single nucleotide variant.
Coding change: c.3789C>T on transcript NM_015272.5 (MANE Select); coding-DNA position 3789, C replaced by T.
Protein change: p.Ala1263=; no amino-acid change (alanine 1263 retained).
Molecular consequence: synonymous variant.
Genome position (GRCh38, 1-based): chr16:53,605,527, G>A on the plus strand (C>T on the coding strand, the complement: RPGRIP1L is on the minus strand). VCF-style: chr16-53605527-G-A. GRCh37 (hg19) VCF-style: chr16-53639439-G-A.
Other names: c.3549C>T, p.Ala1183= (NM_001127897.4); c.3651C>T, p.Ala1217= (NM_001308334.3); c.3687C>T, p.Ala1229= (NM_001330538.2); c.3789C>T (NM_015272.4).
Identifiers: ClinVar variation 1128756 (VCV001128756.11), dbSNP rs1963626162, ClinGen allele CA495536830.

ClinVar aggregate classification (germline): Likely benign. Review status: criteria provided, single submitter (1 of 4 stars). 2 submissions from 2 submitters: Likely benign (1). 1 of the submissions does not count toward it. Last evaluated 2026-01-28.

Conditions:
RPGRIP1L-related disorder. Also called: RPGRIP1L-related disorders; RPGRIP1L-related condition. Identifiers: MedGen CN239416.
Meckel-Gruber syndrome. Also called: Dysencephalia splachnocystica; DYSENCEPHALIA SPLANCHNOCYSTICA; GRUBER SYNDROME. Identifiers: Orphanet 564, MedGen C0265215, MONDO:0018921.
Joubert syndrome. Also called: JOUBERT-BOLTSHAUSER SYNDROME; Familial aplasia of the vermis. Identifiers: Orphanet 475, MedGen C5979921, MONDO:0018772.

Allele frequency attached by ClinVar (database versions not stated): gnomAD exomes below 0.00001.
gnomAD v4.1: 6 of 1,614,036 alleles (0.00037%); highest among the groups gnomAD compares: Middle Eastern, 0.016%; no homozygotes.

Submissions (2):

Labcorp Genetics (formerly Invitae), Labcorp
Classification: Likely benign for Joubert syndrome; Meckel-Gruber syndrome. Last evaluated: 2026-01-28. Review status: criteria provided, single submitter. Criteria: Invitae Variant Classification Sherloc (09022015). Collection method: clinical testing. Allele origin: germline.

PreventionGenetics, part of Exact Sciences
Classification: Likely benign for RPGRIP1L-related condition. Last evaluated: 2024-02-07. Review status: no assertion criteria provided. Collection method: clinical testing. Allele origin: germline. Not counted in ClinVar's aggregate classification.
Comment: This variant is classified as likely benign based on ACMG/AMP sequence variant interpretation guidelines (Richards et al. 2015 PMID: 25741868, with internal and published modifications).